The following is an entry in ClinVar:

ClinVar aggregate classification (germline): Uncertain significance (1 of 4 stars; one submission).

gnomAD v4.1: 5 of 1,614,020 alleles (0.00031%); highest among the groups gnomAD compares: Admixed American, 0.0017%; no homozygotes.

Submission:

Labcorp Genetics (formerly Invitae), Labcorp
Classification: Uncertain significance. Last evaluated: 2023-12-18. Review status: criteria provided, single submitter. Criteria: Invitae Variant Classification Sherloc (09022015). Collection method: clinical testing. Allele origin: germline.
Comment: This sequence change replaces glutamic acid, which is acidic and polar, with alanine, which is neutral and non-polar, at codon 717 of the EML1 protein (p.Glu717Ala). This variant is present in population databases (no rsID available, gnomAD 0.0009%). This variant has not been reported in the literature in individuals affected with EML1-related conditions. ClinVar contains an entry for this variant (Variation ID: 2007311). An algorithm developed to predict the effect of missense changes on protein structure and function (PolyPhen-2) suggests that this variant¬†is likely to be tolerated. In summary, the available evidence is currently insufficient to determine the role of this variant in disease. Therefore, it has been classified as a Variant of Uncertain Significance.

NM_004434.3(EML1):c.2150A>C (p.Glu717Ala)

Gene: EML1 (EMAP like 1; plus strand). Cytogenetic location: 14q32.2.
Variant type: single nucleotide variant.
Coding change: c.2150A>C on transcript NM_004434.3 (MANE Select); coding-DNA position 2150, A replaced by C.
Protein change: p.Glu717Ala; replaces glutamic acid 717 with alanine.
Molecular consequence: missense variant.
Genome position (GRCh38, 1-based): chr14:99,937,871, A>C. VCF-style: chr14-99937871-A-C. GRCh37 (hg19) VCF-style: chr14-100404208-A-C.
Other names: c.2207A>C, p.Glu736Ala (NM_001008707.2); c.2111A>C, p.Glu704Ala (NM_001375411.1); c.2018A>C, p.Glu673Ala (NM_001375412.1); short protein forms E673A, E736A, E717A, E704A.
Identifiers: ClinVar variation 2007311 (VCV002007311.3), dbSNP rs1030194965, ClinGen allele CA266531633.